The following is an entry in ClinVar:

NM_181882.3(PRX):c.4165G>A (p.Ala1389Thr)

Gene: PRX (periaxin; minus strand). Cytogenetic location: 19q13.2.
Variant type: single nucleotide variant.
Coding change: c.4165G>A on transcript NM_181882.3 (MANE Select); coding-DNA position 4165, G replaced by A.
Protein change: p.Ala1389Thr; replaces alanine 1389 with threonine.
Molecular consequence: missense variant. On other transcripts: 3 prime UTR variant (1).
Genome position (GRCh38, 1-based): chr19:40,394,187, C>T on the plus strand (G>A on the coding strand, the complement: PRX is on the minus strand). VCF-style: chr19-40394187-C-T. GRCh37 (hg19) VCF-style: chr19-40900094-C-T.
Other names: c.*4370G>A (NM_020956.2); short protein forms A1389T.
Identifiers: ClinVar variation 864606 (VCV000864606.8), dbSNP rs752060706, ClinGen allele CA9443675.

ClinVar aggregate classification (germline): Uncertain significance (1 of 4 stars; one submission).

Conditions:
Charcot-Marie-Tooth disease type 4. Also called: Charcot-Marie-Tooth disease, type IV; Charcot-Marie-Tooth, Type 4. Identifiers: Orphanet 64749, MedGen C4082197, MONDO:0018995.

Allele frequency attached by ClinVar (database versions not stated): ExAC 0.00001; gnomAD exomes 0.00001; TOPMed 0.00001.
gnomAD v4.1: 17 of 1,590,176 alleles (0.0011%); highest among the groups gnomAD compares: Non-Finnish European, 0.0015%; no homozygotes.

Submission:

Labcorp Genetics (formerly Invitae), Labcorp
Classification: Uncertain significance for Charcot-Marie-Tooth disease type 4. Last evaluated: 2025-08-21. Review status: criteria provided, single submitter. Criteria: Invitae Variant Classification Sherloc (09022015). Collection method: clinical testing. Allele origin: germline.
Comment: This sequence change replaces alanine, which is neutral and non-polar, with threonine, which is neutral and polar, at codon 1389 of the PRX protein (p.Ala1389Thr). This variant is present in population databases (rs752060706, gnomAD 0.002%). This variant has not been reported in the literature in individuals affected with PRX-related conditions. ClinVar contains an entry for this variant (Variation ID: 864606). Invitae Evidence Modeling of protein sequence and biophysical properties (such as structural, functional, and spatial information, amino acid conservation, physicochemical variation, residue mobility, and thermodynamic stability) indicates that this missense variant is not expected to disrupt PRX protein function with a negative predictive value of 80%. In summary, the available evidence is currently insufficient to determine the role of this variant in disease. Therefore, it has been classified as a Variant of Uncertain Significance.